The following is an entry in ClinVar:

ClinVar aggregate classification (germline): Likely benign. Review status: criteria provided, multiple submitters, no conflicts (2 of 4 stars). 4 submissions from 4 submitters: Likely benign (4). Last evaluated 2025-11-06.

Conditions:
Fabry disease. Also called: ALPHA-GALACTOSIDASE A DEFICIENCY; ANDERSON-FABRY DISEASE; CERAMIDE TRIHEXOSIDASE DEFICIENCY; GLA DEFICIENCY; HEREDITARY DYSTOPIC LIPIDOSIS; Fabry's disease. Identifiers: Orphanet 324, MedGen C0002986, MONDO:0010526, OMIM 301500, HP:0001071. Disease mechanism: loss of function, Fabry disease is due to inactivating mutations in the X-linked GLA gene resulting in deficiency of the enzyme Alpha Galactosidase-A..
Cardiovascular phenotype. Identifiers: MedGen CN230736.

Allele frequency attached by ClinVar (database versions not stated): gnomAD 0.00002; TOPMed 0.00002; ExAC 0.00003; ESP Exome Variant Server 0.00009.
gnomAD v4.1: 6 of 1,202,034 alleles (0.0005%); highest among the groups gnomAD compares: Admixed American, 0.0066%; no homozygotes.

Submissions (4):

Labcorp Genetics (formerly Invitae), Labcorp
Classification: Likely benign for Fabry disease. Last evaluated: 2025-11-06. Review status: criteria provided, single submitter. Criteria: Invitae Variant Classification Sherloc (09022015). Collection method: clinical testing. Allele origin: germline.

All of Us Research Program, National Institutes of Health
Classification: Likely benign for Fabry disease. Last evaluated: 2023-12-01. Review status: criteria provided, single submitter. Criteria: ACMG Guidelines, 2015. Collection method: clinical testing. Allele origin: germline. Inheritance: X-linked inheritance. Observed: 2 variant alleles, 2 heterozygotes.
Comment: This study involves interpretation of variants in research participants for the purpose of population health screening. Participant phenotype was not available at the time of variant classification. Additional details can be found in publication PMID: 35346344, PMCID: PMC8962531

Ambry Genetics
Classification: Likely benign for Cardiovascular phenotype. Last evaluated: 2023-03-13. Review status: criteria provided, single submitter. Criteria: Ambry Variant Classification Scheme 2023. Collection method: clinical testing. Allele origin: germline.

GeneDx
Classification: Likely benign. Last evaluated: 2018-02-27. Review status: criteria provided, single submitter. Criteria: GeneDx Variant Classification (06012015). Collection method: clinical testing. Allele origin: germline. Affected: yes.
Comment: This variant is considered likely benign or benign based on one or more of the following criteria: it is a conservative change, it occurs at a poorly conserved position in the protein, it is predicted to be benign by multiple in silico algorithms, and/or has population frequency not consistent with disease.

NM_000169.3(GLA):c.984G>T (p.Gly328=)

Genes: GLA (galactosidase alpha; minus strand), RPL36A-HNRNPH2 (RPL36A-HNRNPH2 readthrough; plus strand). Cytogenetic location: Xq22.1.
Variant type: single nucleotide variant.
Coding change: c.984G>T on transcript NM_000169.3 (MANE Select); coding-DNA position 984, G replaced by T.
Protein change: p.Gly328=; no amino-acid change (glycine 328 retained).
Molecular consequence: synonymous variant. On other transcripts: non-coding transcript variant (3), intron variant (2).
Genome position (GRCh38, 1-based): chrX:101,398,385, C>A on the plus strand (G>T on the coding strand, the complement: GLA is on the minus strand). VCF-style: chrX-101398385-C-A. GRCh37 (hg19) VCF-style: chrX-100653373-C-A.
Other names: c.1107G>T, p.Gly369= (NM_001406747.1); c.984G>T, p.Gly328= (NM_001406748.1); c.300+2928C>A (NM_001199973.2); c.177+6563C>A (NM_001199974.2).
Identifiers: ClinVar variation 386764 (VCV000386764.20), dbSNP rs376623208, ClinGen allele CA032513.